The following is an entry in ClinVar:

ClinVar aggregate classification (germline): Uncertain significance (1 of 4 stars; one submission).

Conditions:
Emery-Dreifuss muscular dystrophy 4, autosomal dominant (EDMD4). Also called: EMERY-DREIFUSS MUSCULAR DYSTROPHY 4 WITH VARIABLE FEATURES. Identifiers: Orphanet 261, MedGen C2751807, MONDO:0013071, OMIM 612998.
Autosomal recessive ataxia, Beauce type. Also called: SYNE1-Related Autosomal Recessive Cerebellar Ataxia; Spinocerebellar ataxia, autosomal recessive 8; ATAXIA, RECESSIVE, OF BEAUCE; SYNE1 Deficiency. Identifiers: Orphanet 88644, MedGen C1853116, MONDO:0012549, OMIM 610743.

Submission:

Labcorp Genetics (formerly Invitae), Labcorp
Classification: Uncertain significance for Emery-Dreifuss muscular dystrophy 4, autosomal dominant; Autosomal recessive ataxia, Beauce type. Last evaluated: 2022-06-13. Review status: criteria provided, single submitter. Criteria: Invitae Variant Classification Sherloc (09022015). Collection method: clinical testing. Allele origin: germline.
Comment: In summary, the available evidence is currently insufficient to determine the role of this variant in disease. Therefore, it has been classified as a Variant of Uncertain Significance. Variants that disrupt the consensus splice site are a relatively common cause of aberrant splicing (PMID: 17576681, 9536098). Algorithms developed to predict the effect of sequence changes on RNA splicing suggest that this variant is not likely to affect RNA splicing. This variant has not been reported in the literature in individuals affected with SYNE1-related conditions. This variant is not present in population databases (gnomAD no frequency). This sequence change falls in intron 120 of the SYNE1 gene. It does not directly change the encoded amino acid sequence of the SYNE1 protein. It affects a nucleotide within the consensus splice site.

Literature cited by the submitters: PubMed 17576681; PubMed 9536098.

NM_182961.4(SYNE1):c.22191+4A>G

Gene: SYNE1 (spectrin repeat containing nuclear envelope protein 1; minus strand). Cytogenetic location: 6q25.2.
Variant type: single nucleotide variant.
Coding change: c.22191+4A>G on transcript NM_182961.4 (MANE Select); 4 bases into the intron after coding-DNA position 22191, A replaced by G.
Molecular consequence: intron variant.
Genome position (GRCh38, 1-based): chr6:152,218,253, T>C on the plus strand (A>G on the coding strand, the complement: SYNE1 is on the minus strand). VCF-style: chr6-152218253-T-C. GRCh37 (hg19) VCF-style: chr6-152539388-T-C.
Other names: c.21978+4A>G (NM_033071.5).
Identifiers: ClinVar variation 1384641 (VCV001384641.6), dbSNP rs2153454005, ClinGen allele CA2573140629.